The following is an entry in ClinVar:

NM_007194.4(CHEK2):c.593-20_593-18del

Gene: CHEK2 (checkpoint kinase 2; minus strand). Cytogenetic location: 22q12.1.
Variant type: Deletion.
Coding change: c.593-20_593-18del on transcript NM_007194.4 (MANE Select); 20 bases into the intron before coding-DNA position 593 through 18 bases into the intron before coding-DNA position 593, 3 bases deleted (TCT; older notation c.593-20_593-18delTCT).
Molecular consequence: intron variant.
Genome position (GRCh38, 1-based): chr22:28,719,503-28,719,505, AGA deleted on the plus strand (TCT on the coding strand, the reverse complement: CHEK2 is on the minus strand); deleting any 3 consecutive bases within chr22:28,719,503-28,719,506 gives the same sequence; the c. name uses the placement nearest the transcript's 3' end. VCF-style (leftmost placement, unchanged base first): chr22-28719502-TAGA-T. GRCh37 (hg19) VCF-style: chr22-29115490-TAGA-T.
Other names: c.593-20_593-18delTCT (NM_007194.3); c.-71-20_-71-18del (NM_001437942.1, NM_001257387.3); c.482+5381_482+5383del (NM_001349956.3); c.593-20_593-18del (NM_145862.3); c.686-20_686-18del (NM_001438295.1, NM_001438293.1); c.722-20_722-18del (NM_001438294.1, NM_001005735.3).
Identifiers: ClinVar variation 418129 (VCV000418129.15), dbSNP rs752590759, ClinGen allele CA10167935.

ClinVar aggregate classification (germline): Likely benign. Review status: criteria provided, multiple submitters, no conflicts (2 of 4 stars). 6 submissions from 6 submitters: Likely benign (6). Last evaluated 2025-12-31.

Conditions:
Familial cancer of breast. Also called: BREAST CANCER, FAMILIAL; hereditary breast carcinoma; Hereditary breast cancer. Identifiers: Orphanet 227535, MedGen C0346153, MONDO:0016419, OMIM 114480. Disease mechanism: loss of function.
Hereditary cancer-predisposing syndrome. Also called: Tumor predisposition; Hereditary Cancer Syndrome; Hereditary neoplastic syndrome; Neoplastic Syndromes, Hereditary. Identifiers: Orphanet 140162, MedGen C0027672, MeSH D009386, MONDO:0015356.

Submissions (6):

Labcorp Genetics (formerly Invitae), Labcorp
Classification: Likely benign for Familial cancer of breast. Last evaluated: 2025-12-31. Review status: criteria provided, single submitter. Criteria: Invitae Variant Classification Sherloc (09022015). Collection method: clinical testing. Allele origin: germline.

Molecular Pathology, Peter Maccallum Cancer Centre
Classification: Likely benign for Familial cancer of breast. Last evaluated: 2025-05-26. Review status: criteria provided, single submitter. Criteria: ACMG Guidelines, 2015. Collection method: clinical testing. Allele origin: germline. Inheritance: Autosomal dominant inheritance.

Color Diagnostics, LLC DBA Color Health
Classification: Likely benign for Hereditary cancer-predisposing syndrome. Last evaluated: 2024-03-06. Review status: criteria provided, single submitter. Criteria: ACMG Guidelines, 2015. Collection method: clinical testing. Allele origin: germline.

Blueprint Genetics
Classification: Likely benign. Last evaluated: 2024-01-09. Review status: criteria provided, single submitter. Criteria: ACMG Guidelines, 2015. Collection method: clinical testing. Allele origin: germline.

Myriad Genetics, Inc.
Classification: Likely benign for Familial cancer of breast. Last evaluated: 2023-11-13. Review status: criteria provided, single submitter. Criteria: Myriad Autosomal Dominant, Autosomal Recessive and X-Linked Classification Criteria (2023). Collection method: clinical testing. Allele origin: unknown.
Comment: This variant is considered likely benign. This variant is intronic and is not expected to impact mRNA splicing. This variant is strongly associated with less severe personal and family histories of cancer, typical for individuals without pathogenic variants in this gene [PMID: 25085752].

GeneDx
Classification: Likely benign. Last evaluated: 2017-09-19. Review status: criteria provided, single submitter. Criteria: GeneDx Variant Classification (06012015). Collection method: clinical testing. Allele origin: germline. Affected: yes.
Comment: This variant is considered likely benign or benign based on one or more of the following criteria: it is a conservative change, it occurs at a poorly conserved position in the protein, it is predicted to be benign by multiple in silico algorithms, and/or has population frequency not consistent with disease.

Literature cited by the submitters: PubMed 25085752 (cited by Myriad Genetics, Inc.).